The following is an entry in ClinVar:

NM_003105.6(SORL1):c.2984A>G (p.Glu995Gly)

Gene: SORL1 (sortilin related receptor 1; plus strand). Cytogenetic location: 11q24.1.
Variant type: single nucleotide variant.
Coding change: c.2984A>G on transcript NM_003105.6 (MANE Select); coding-DNA position 2984, A replaced by G.
Protein change: p.Glu995Gly; replaces glutamic acid 995 with glycine.
Molecular consequence: missense variant.
Genome position (GRCh38, 1-based): chr11:121,559,592, A>G. VCF-style: chr11-121559592-A-G. GRCh37 (hg19) VCF-style: chr11-121430301-A-G.
Other names: short protein forms E995G.
Identifiers: ClinVar variation 3447274 (VCV003447274.3).

ClinVar aggregate classification (germline): Uncertain significance. Review status: criteria provided, multiple submitters, no conflicts (2 of 4 stars). 3 submissions from 3 submitters: Uncertain significance (3). Last evaluated 2026-07-05.

Conditions:
SORL1-related disorder. Also called: SORL1-related condition.

gnomAD v4.1: 43 of 1,613,936 alleles (0.0027%); highest among the groups gnomAD compares: Admixed American, 0.017%; no homozygotes.

Submissions (3):

PreventionGenetics, part of Exact Sciences
Classification: Uncertain significance for SORL1-related condition. Last evaluated: 2026-07-05. Review status: criteria provided, single submitter. Criteria: ACMG Guidelines, 2015. Collection method: clinical testing. Allele origin: germline.
Comment: The SORL1 c.2984A>G variant is predicted to result in the amino acid substitution p.Glu995Gly. To our knowledge, this variant has not been reported in the literature. This variant is reported in 0.0029% of alleles in individuals of Latino descent in gnomAD. At this time, the clinical significance of this variant is uncertain due to the absence of conclusive functional and genetic evidence.

Labcorp Genetics (formerly Invitae), Labcorp
Classification: Uncertain significance. Last evaluated: 2025-07-07. Review status: criteria provided, single submitter. Criteria: Invitae Variant Classification Sherloc (09022015). Collection method: clinical testing. Allele origin: germline.
Comment: This sequence change replaces glutamic acid, which is acidic and polar, with glycine, which is neutral and non-polar, at codon 995 of the SORL1 protein (p.Glu995Gly). This variant is present in population databases (rs753732264, gnomAD 0.003%). This variant has not been reported in the literature in individuals affected with SORL1-related conditions. ClinVar contains an entry for this variant (Variation ID: 3447274). An algorithm developed to predict the effect of missense changes on protein structure and function (PolyPhen-2) suggests that this variant is likely to be tolerated. In summary, the available evidence is currently insufficient to determine the role of this variant in disease. Therefore, it has been classified as a Variant of Uncertain Significance.

Ambry Genetics
Classification: Uncertain significance. Last evaluated: 2024-07-26. Review status: criteria provided, single submitter. Criteria: Ambry Variant Classification Scheme 2023. Collection method: clinical testing. Allele origin: germline.